The following is an entry in ClinVar:

ClinVar aggregate classification (germline): Likely pathogenic. Review status: criteria provided, multiple submitters, no conflicts (2 of 4 stars). 4 submissions from 4 submitters: Likely pathogenic (4). Last evaluated 2025-08-22.

Conditions:
Bardet-Biedl syndrome 1 (BBS1). Identifiers: MedGen C2936862, MONDO:0008854, OMIM 209900. Disease mechanism: loss of function.
BBS1-related disorder. Also called: BBS1-related condition.
Bardet-Biedl syndrome (BBS). Identifiers: Orphanet 110, MedGen C0752166, MONDO:0015229.

Allele frequency attached by ClinVar (database versions not stated): gnomAD exomes below 0.00001.

Submissions (4):

PreventionGenetics, part of Exact Sciences
Classification: Likely pathogenic for BBS1-related condition. Last evaluated: 2025-08-22. Review status: criteria provided, single submitter. Criteria: ACMG Guidelines, 2015. Collection method: clinical testing. Allele origin: germline.
Comment: The BBS1 c.159+2delT variant is predicted to result in a deletion affecting a canonical splice site. This variant is predicted to interfere with splicing at the consensus donor site based on splicing prediction programs (SpliceAI, Jaganathan et al. 2019. PubMed ID: 30661751). This variant was documented in a study assessing the carrier frequency of autosomal recessive inherited retinal diseases (Table S3 in Hanany et al. 2020. PubMed ID: 31964843) but has not been reported in individuals with BBS1-related conditions. This variant is reported in 0.0029% of alleles in individuals of Latino descent in gnomAD and has been interpreted as likely pathogenic by submitters in ClinVar (ClinVar Variation ID: 1513499). This variant is interpreted as likely pathogenic.

Fulgent Genetics
Classification: Likely pathogenic for Bardet-Biedl syndrome 1. Last evaluated: 2024-02-29. Review status: criteria provided, single submitter. Criteria: ACMG Guidelines, 2015. Collection method: clinical testing. Allele origin: germline.

Baylor Genetics
Classification: Likely pathogenic for Bardet-Biedl syndrome 1. Last evaluated: 2023-03-21. Review status: criteria provided, single submitter. Criteria: ACMG Guidelines, 2015. Collection method: clinical testing. Allele origin: unknown.

Labcorp Genetics (formerly Invitae), Labcorp
Classification: Likely pathogenic for Bardet-Biedl syndrome. Last evaluated: 2022-06-08. Review status: criteria provided, single submitter. Criteria: Invitae Variant Classification Sherloc (09022015). Collection method: clinical testing. Allele origin: germline.
Comment: This variant has not been reported in the literature in individuals affected with BBS1-related conditions. This variant is present in population databases (no rsID available, gnomAD 0.003%). This sequence change affects a splice site in intron 3 of the BBS1 gene. It is expected to disrupt RNA splicing. Variants that disrupt the donor or acceptor splice site typically lead to a loss of protein function (PMID: 16199547), and loss-of-function variants in BBS1 are known to be pathogenic (PMID: 12118255, 21520335, 27032803). Algorithms developed to predict the effect of sequence changes on RNA splicing suggest that this variant may disrupt the consensus splice site. In summary, the currently available evidence indicates that the variant is pathogenic, but additional data are needed to prove that conclusively. Therefore, this variant has been classified as Likely Pathogenic.

Literature cited by the submitters: PubMed 16199547 (cited by Labcorp Genetics (formerly Invitae), Labcorp); PubMed 12118255 (cited by Labcorp Genetics (formerly Invitae), Labcorp); PubMed 21520335 (cited by Labcorp Genetics (formerly Invitae), Labcorp); PubMed 27032803 (cited by Labcorp Genetics (formerly Invitae), Labcorp).

NM_024649.5(BBS1):c.159+2del

Gene: BBS1 (Bardet-Biedl syndrome 1; plus strand). Cytogenetic location: 11q13.2.
Variant type: Deletion.
Coding change: c.159+2del on transcript NM_024649.5 (MANE Select); the canonical splice donor site of the intron after coding-DNA position 159, one base deleted (T; older notation c.159+2delT).
Molecular consequence: splice donor variant.
Genome position (GRCh38, 1-based): chr11:66,511,241, T deleted. VCF-style (leftmost placement, unchanged base first): chr11-66511240-GT-G. GRCh37 (hg19) VCF-style: chr11-66278711-GT-G.
Other names: c.159+2delT (NM_024649.4).
Identifiers: ClinVar variation 1513499 (VCV001513499.10), dbSNP rs1348187150, ClinGen allele CA599874937.